The following is an entry in ClinVar:

ClinVar aggregate classification (germline): Uncertain significance (1 of 4 stars; one submission).

Conditions:
Rheumatoid arthritis (RA). Also called: RHEUMATOID ARTHRITIS, SUSCEPTIBILITY TO. Identifiers: MedGen C0003873, MONDO:0008383, OMIM 180300, HP:0001370.

Submission:

Neuberg Centre For Genomic Medicine, NCGM
Classification: Uncertain significance for Rheumatoid arthritis. Review status: criteria provided, single submitter. Criteria: ACMG Guidelines, 2015. Collection method: clinical testing. Allele origin: germline. Inheritance: Autosomal dominant inheritance. Affected: yes.
Comment: The missense variant in c.676G>A (p.Gly226Arg) in CIITA gene has not been reported previously as a pathogenic variant nor as a benign variant, to our knowledge. The p.Gly226Arg variant is novel (not in any individuals) in gnomAD Exomes and 1000 Genomes. The amino acid Gly at position 226 is changed to a Arg changing protein sequence and it might alter its composition and physico-chemical properties. The variant is predicted to be damaging by both SIFT and PolyPhen2. The residue is conserved across species. The amino acid change p.Gly226Arg in CIITA is predicted as conserved by GERP++ and PhyloP across 100 vertebrates. For these reasons, this variant has been classified as Uncertain Significance.

NM_000246.4(CIITA):c.673G>A (p.Gly225Arg)

Gene: CIITA (class II major histocompatibility complex transactivator; plus strand). Cytogenetic location: 16p13.13.
Variant type: single nucleotide variant.
Coding change: c.673G>A on transcript NM_000246.4 (MANE Select); coding-DNA position 673, G replaced by A.
Protein change: p.Gly225Arg; replaces glycine 225 with arginine.
Molecular consequence: missense variant. On other transcripts: non-coding transcript variant (1).
Genome position (GRCh38, 1-based): chr16:10,902,702, G>A. VCF-style: chr16-10902702-G-A. GRCh37 (hg19) VCF-style: chr16-10996559-G-A.
Other names: c.676G>A, p.Gly226Arg (NM_001286402.1, NM_001379332.1); c.526G>A, p.Gly176Arg (NM_001286403.2, NM_001379331.1); c.529G>A, p.Gly177Arg (NM_001379330.1); c.673G>A, p.Gly225Arg (NM_001379333.1); c.604G>A, p.Gly202Arg (NM_001379334.1); short protein forms G176R, G202R, G225R, G177R, G226R.
Identifiers: ClinVar variation 2585349 (VCV002585349.1), dbSNP rs2544413084, ClinGen allele CA394728607.